The following is an entry in ClinVar:

NM_000136.3(FANCC):c.635del (p.Gln212fs)

Genes: AOPEP (aminopeptidase O (putative); plus strand), FANCC (FA complementation group C; minus strand). Cytogenetic location: 9q22.32.
Variant type: Deletion.
Coding change: c.635del on transcript NM_000136.3 (MANE Select); coding-DNA position 635, one base deleted (A; older notation c.635delA).
Protein change: p.Gln212fs; shifts the reading frame from glutamine 212.
Molecular consequence: frameshift variant.
Genome position (GRCh38, 1-based): chr9:95,149,974, T deleted on the plus strand (A on the coding strand, the reverse complement: FANCC is on the minus strand). VCF-style (leftmost placement, unchanged base first): chr9-95149973-CT-C. GRCh37 (hg19) VCF-style: chr9-97912255-CT-C.
Other names: c.635del, p.Gln212fs (NM_001243743.2, NM_001243744.2); short protein forms Q212fs.
Identifiers: ClinVar variation 1421752 (VCV001421752.6), dbSNP rs2135427018, ClinGen allele CA2573144817.

ClinVar aggregate classification (germline): Pathogenic (1 of 4 stars; one submission).

Conditions:
Fanconi anemia (FA). Also called: Fanconi's anemia. Identifiers: Orphanet 84, MedGen C0015625, MeSH D005199, MONDO:0019391.

Submission:

Labcorp Genetics (formerly Invitae), Labcorp
Classification: Pathogenic for Fanconi anemia. Last evaluated: 2020-11-13. Review status: criteria provided, single submitter. Criteria: Invitae Variant Classification Sherloc (09022015). Collection method: clinical testing. Allele origin: germline.
Comment: This sequence change creates a premature translational stop signal (p.Gln212Argfs*12) in the FANCC gene. It is expected to result in an absent or disrupted protein product. Loss-of-function variants in FANCC are known to be pathogenic (PMID: 17924555). This variant is not present in population databases (ExAC no frequency). This variant has not been reported in the literature in individuals with FANCC-related conditions. For these reasons, this variant has been classified as Pathogenic.

Literature cited by the submitters: PubMed 17924555.